The following is an entry in ClinVar:

ClinVar aggregate classification (germline): Uncertain significance (0 of 4 stars; one submission).

Conditions:
LZTR1-related disorder. Also called: LZTR1-related disorders; LZTR1-related condition.

Submission:

PreventionGenetics, part of Exact Sciences
Classification: Uncertain significance for LZTR1-related condition. Last evaluated: 2023-11-29. Review status: no assertion criteria provided. Collection method: clinical testing. Allele origin: germline.
Comment: The LZTR1 c.992_993delinsTA variant is predicted to result in an in-frame deletion and insertion. To our knowledge, this variant has not been reported in the literature or in a large population database, indicating this variant is rare. This variant affects the last two nucleotides of the exon and based on available splicing prediction software it is predicted to weaken the splice donor site (SpliceAI, Jaganathan et al. 2019. PubMed ID: 30661751). However, the use of computer prediction programs is not equivalent to functional evidence. Although we suspect that this variant may be pathogenic, at this time, the clinical significance of this variant is uncertain due to the absence of conclusive functional and genetic evidence.

NM_006767.4(LZTR1):c.992_993delinsTA (p.Glu331Val)

Gene: LZTR1 (leucine zipper like post translational regulator 1; plus strand). Cytogenetic location: 22q11.21.
Variant type: Indel.
Coding change: c.992_993delinsTA on transcript NM_006767.4 (MANE Select); coding-DNA positions 992 to 993, AG replaced by TA.
Protein change: p.Glu331Val; replaces glutamic acid 331 with valine.
Molecular consequence: missense variant.
Genome position (GRCh38, 1-based): chr22:20,991,828-20,991,829, AG replaced by TA. VCF-style: chr22-20991828-AG-TA. GRCh37 (hg19) VCF-style: chr22-21346117-AG-TA.
Other names: short protein forms E331V.
Identifiers: ClinVar variation 2633921 (VCV002633921.3), dbSNP rs2518617417, ClinGen allele CA2695200070.